The following is an entry in ClinVar:

NM_005633.4(SOS1):c.3838C>G (p.Gln1280Glu)

Gene: SOS1 (SOS Ras/Rac guanine nucleotide exchange factor 1; minus strand). Cytogenetic location: 2p22.1.
Variant type: single nucleotide variant.
Coding change: c.3838C>G on transcript NM_005633.4 (MANE Select); coding-DNA position 3838, C replaced by G.
Protein change: p.Gln1280Glu; replaces glutamine 1280 with glutamic acid.
Molecular consequence: missense variant.
Genome position (GRCh38, 1-based): chr2:38,985,988, G>C on the plus strand (C>G on the coding strand, the complement: SOS1 is on the minus strand). VCF-style: chr2-38985988-G-C. GRCh37 (hg19) VCF-style: chr2-39213129-G-C.
Other names: c.3817C>G, p.Gln1273Glu (NM_001382394.1); c.3793C>G, p.Gln1265Glu (NM_001382395.1); short protein forms Q1280E, Q1273E, Q1265E.
Identifiers: ClinVar variation 941434 (VCV000941434.11), dbSNP rs548519280, ClinGen allele CA346362218.

ClinVar aggregate classification (germline): Uncertain significance. Review status: criteria provided, multiple submitters, no conflicts (2 of 4 stars). 3 submissions from 3 submitters: Uncertain significance (3). Last evaluated 2026-03-23.

Conditions:
RASopathy. Also called: rasopathies; Noonan spectrum disorder. Identifiers: Orphanet 536391, MedGen C5555857, MONDO:0021060.

gnomAD v4.1: 1 of 1,613,920 alleles (0.000062%); highest among the groups gnomAD compares: Non-Finnish European, 0.000085%; no homozygotes.

Submissions (3):

Women's Health and Genetics/Laboratory Corporation of America, LabCorp
Classification: Uncertain significance. Last evaluated: 2026-03-23. Review status: criteria provided, single submitter. Criteria: LabCorp Variant Classification Summary - May 2015. Collection method: clinical testing. Allele origin: germline.

Labcorp Genetics (formerly Invitae), Labcorp
Classification: Uncertain significance for RASopathy. Last evaluated: 2025-07-09. Review status: criteria provided, single submitter. Criteria: Invitae Variant Classification Sherloc (09022015). Collection method: clinical testing. Allele origin: germline.
Comment: This sequence change replaces glutamine, which is neutral and polar, with glutamic acid, which is acidic and polar, at codon 1280 of the SOS1 protein (p.Gln1280Glu). This variant is not present in population databases (gnomAD no frequency). This variant has not been reported in the literature in individuals affected with SOS1-related conditions. ClinVar contains an entry for this variant (Variation ID: 941434). Invitae Evidence Modeling of protein sequence and biophysical properties (such as structural, functional, and spatial information, amino acid conservation, physicochemical variation, residue mobility, and thermodynamic stability) indicates that this missense variant is not expected to disrupt SOS1 protein function with a negative predictive value of 95%. In summary, the available evidence is currently insufficient to determine the role of this variant in disease. Therefore, it has been classified as a Variant of Uncertain Significance.

GeneDx
Classification: Uncertain significance. Last evaluated: 2024-09-23. Review status: criteria provided, single submitter. Criteria: GeneDx Variant Classification Process June 2021. Collection method: clinical testing. Allele origin: germline. Affected: yes.
Comment: Not observed at significant frequency in large population cohorts (gnomAD); Missense variants in this gene are a common cause of disease and they are underrepresented in the general population; In silico analysis indicates that this missense variant does not alter protein structure/function; Has not been previously published as pathogenic or benign to our knowledge; This variant is associated with the following publications: (PMID: 29493581)